The following is an entry in ClinVar:

NM_000138.5(FBN1):c.3080A>G (p.Lys1027Arg)

Gene: FBN1 (fibrillin 1; minus strand). Cytogenetic location: 15q21.1.
Variant type: single nucleotide variant.
Coding change: c.3080A>G on transcript NM_000138.5 (MANE Select); coding-DNA position 3080, A replaced by G.
Protein change: p.Lys1027Arg; replaces lysine 1027 with arginine.
Molecular consequence: missense variant.
Genome position (GRCh38, 1-based): chr15:48,489,853, T>C on the plus strand (A>G on the coding strand, the complement: FBN1 is on the minus strand). VCF-style: chr15-48489853-T-C. GRCh37 (hg19) VCF-style: chr15-48782050-T-C.
Other names: c.3080A>G, p.Lys1027Arg (NM_001406716.1); short protein forms K1027R.
Identifiers: ClinVar variation 3772540 (VCV003772540.13).

ClinVar aggregate classification (germline): Uncertain significance (1 of 4 stars; one submission).

Submission:

CeGaT Center for Human Genetics Tuebingen
Classification: Uncertain significance. Last evaluated: 2025-02-01. Review status: criteria provided, single submitter. Criteria: CeGaT Center For Human Genetics Tuebingen Variant Classification Criteria Version 2. Collection method: clinical testing. Allele origin: germline. Affected: yes. Observed: 1 variant allele.
Comment: FBN1: PM2